The following is an entry in ClinVar:

NM_006421.5(ARFGEF1):c.4831_4832del (p.Gln1611fs)

Gene: ARFGEF1 (ARF guanine nucleotide exchange factor 1; minus strand). Cytogenetic location: 8q13.2.
Variant type: Deletion.
Coding change: c.4831_4832del on transcript NM_006421.5 (MANE Select); coding-DNA positions 4831 to 4832, 2 bases deleted (CA; older notation c.4831_4832delCA).
Protein change: p.Gln1611fs; shifts the reading frame from glutamine 1611.
Molecular consequence: frameshift variant. On other transcripts: intron variant (2).
Genome position (GRCh38, 1-based): chr8:67,204,807-67,204,808, TG deleted on the plus strand (CA on the coding strand, the reverse complement: ARFGEF1 is on the minus strand); deleting any 2 consecutive bases within chr8:67,204,807-67,204,809 gives the same sequence; the c. name uses the placement nearest the transcript's 3' end. VCF-style (leftmost placement, unchanged base first): chr8-67204806-TTG-T. GRCh37 (hg19) VCF-style: chr8-68117041-TTG-T.
Other names: c.4831_4832del, p.Gln1611fs (NM_001413184.1, NM_001413187.1, NM_001413194.1); c.4813_4814del, p.Gln1605fs (NM_001413185.1, NM_001413186.1, NM_001413189.1); c.4231_4232del, p.Gln1411fs (NM_001413188.1, NM_001413197.1); c.4825_4826del, p.Gln1609fs (NM_001413190.1); c.4213_4214del, p.Gln1405fs (NM_001413193.1); c.3406_3407del, p.Gln1136fs (NM_001413196.1); c.4802-85_4802-84del (NM_001413192.1); c.4820-85_4820-84del (NM_001413191.1); short protein forms Q1136fs, Q1405fs, Q1411fs, Q1605fs, Q1609fs, Q1611fs.
Identifiers: ClinVar variation 2673150 (VCV002673150.23), dbSNP rs2491193245, ClinGen allele CA2695201476.
Genomic context (GRCh38, chr8:67,204,806, plus strand): 5'-GATAGTCTGGATGAGTTCCAGCTGCACAACACATTTAATCAACAGGGCAGCAAACAATTT[TTG>T]TTCTGGAAATTCTGTGAGGAAACCCCCCCCAATGCACATGCAAACAAAAAATTATTTTGA-3'

ClinVar aggregate classification (germline): Pathogenic (1 of 4 stars; one submission).

Submission:

CeGaT Center for Human Genetics Tuebingen
Classification: Pathogenic. Last evaluated: 2023-11-01. Review status: criteria provided, single submitter. Criteria: CeGaT Center For Human Genetics Tuebingen Variant Classification Criteria Version 2. Collection method: clinical testing. Allele origin: germline. Affected: yes. Observed: 1 variant allele.
Comment: ARFGEF1: PVS1, PM2